The following is an entry in ClinVar:

NM_001171.6(ABCC6):c.4446C>A (p.Ser1482Arg)

Gene: ABCC6 (ATP binding cassette subfamily C member 6; minus strand). Cytogenetic location: 16p13.11.
Variant type: single nucleotide variant.
Coding change: c.4446C>A on transcript NM_001171.6 (MANE Select); coding-DNA position 4446, C replaced by A.
Protein change: p.Ser1482Arg; replaces serine 1482 with arginine.
Molecular consequence: missense variant. On other transcripts: non-coding transcript variant (1).
Genome position (GRCh38, 1-based): chr16:16,150,199, G>T on the plus strand (C>A on the coding strand, the complement: ABCC6 is on the minus strand). VCF-style: chr16-16150199-G-T. GRCh37 (hg19) VCF-style: chr16-16244056-G-T.
Other names: c.4104C>A, p.Ser1368Arg (NM_001351800.1); short protein forms S1482R, S1368R.
Identifiers: ClinVar variation 2090213 (VCV002090213.3), dbSNP rs1434309178, ClinGen allele CA394883565.
Genomic context (GRCh38, chr16:16,150,199, plus strand): 5'-CAGGCCTGACTCCTGGGCCAGTCTGTAAAACAGGCCCTTCTGGGCCAGCAGCTGGGCCGG[G>T]CTGCCGCTCTCTGCCACCTGCCCCTTGTCCATGACCAGAACCCTGTGGGGGAGAGGGAGA-3'
Protein context (NP_001162.5, residues 1472-1492): MDKGQVAESG[Ser1482Arg]PAQLLAQKGL

ClinVar aggregate classification (germline): Uncertain significance (1 of 4 stars; one submission).

Submission:

Labcorp Genetics (formerly Invitae), Labcorp
Classification: Uncertain significance. Last evaluated: 2024-04-22. Review status: criteria provided, single submitter. Criteria: Invitae Variant Classification Sherloc (09022015). Collection method: clinical testing. Allele origin: germline.
Comment: This sequence change replaces serine, which is neutral and polar, with arginine, which is basic and polar, at codon 1482 of the ABCC6 protein (p.Ser1482Arg). This variant is not present in population databases (gnomAD no frequency). This variant has not been reported in the literature in individuals affected with ABCC6-related conditions. ClinVar contains an entry for this variant (Variation ID: 2090213). Advanced modeling of protein sequence and biophysical properties (such as structural, functional, and spatial information, amino acid conservation, physicochemical variation, residue mobility, and thermodynamic stability) performed at Invitae indicates that this missense variant is not expected to disrupt ABCC6 protein function with a negative predictive value of 80%. In summary, the available evidence is currently insufficient to determine the role of this variant in disease. Therefore, it has been classified as a Variant of Uncertain Significance.